The following is an entry in ClinVar:

ClinVar aggregate classification (germline): Uncertain significance (1 of 4 stars; one submission).

gnomAD v4.1: 1 of 1,613,030 alleles (0.000062%); highest among the groups gnomAD compares: Non-Finnish European, 0.000085%; no homozygotes.

Submission:

GeneDx
Classification: Uncertain significance. Last evaluated: 2024-04-19. Review status: criteria provided, single submitter. Criteria: GeneDx Variant Classification Process June 2021. Collection method: clinical testing. Allele origin: germline. Affected: yes.
Comment: Not observed at significant frequency in large population cohorts (gnomAD); In silico analysis supports that this missense variant has a deleterious effect on protein structure/function; Has not been previously published as pathogenic or benign to our knowledge

NM_001365276.2(TNXB):c.5107T>C (p.Ser1703Pro)

Gene: TNXB (tenascin XB; minus strand). Cytogenetic location: 6p21.33.
Variant type: single nucleotide variant.
Coding change: c.5107T>C on transcript NM_001365276.2 (MANE Select); coding-DNA position 5107, T replaced by C.
Protein change: p.Ser1703Pro; replaces serine 1703 with proline.
Molecular consequence: missense variant.
Genome position (GRCh38, 1-based): chr6:32,070,298, A>G on the plus strand (T>C on the coding strand, the complement: TNXB is on the minus strand). VCF-style: chr6-32070298-A-G. GRCh37 (hg19) VCF-style: chr6-32038075-A-G.
Other names: c.5848T>C, p.Ser1950Pro (NM_001428335.1); c.5107T>C, p.Ser1703Pro (NM_019105.8); short protein forms S1703P, S1950P.
Identifiers: ClinVar variation 3372872 (VCV003372872.1).
Genomic context (GRCh38, chr6:32,070,298, plus strand): 5'-CATGGCCCTCCACGGGCACCACCTGGGGCCCGTCTTTGTCCTTGAACTGGACCACAAAAG[A>G]GTCGAACTGGCCCTCAGGAACCGTCCAGGAGAGGCGCAGTGAGTCTGGGGTGGGGTCTGT-3'
Protein context (NP_001352205.1, residues 1693-1713): SWTVPEGQFD[Ser1703Pro]FVVQFKDKDG